The following is an entry in ClinVar:

ClinVar aggregate classification (germline): Uncertain significance (1 of 4 stars; one submission).

Conditions:
Cardiovascular phenotype. Identifiers: MedGen CN230736.
Hereditary cancer-predisposing syndrome. Also called: Hereditary neoplastic syndrome; Neoplastic Syndromes, Hereditary; Tumor predisposition; Hereditary Cancer Syndrome. Identifiers: Orphanet 140162, MedGen C0027672, MeSH D009386, MONDO:0015356.

Submission:

Ambry Genetics
Classification: Uncertain significance for Cardiovascular phenotype; Hereditary cancer-predisposing syndrome. Last evaluated: 2025-09-05. Review status: criteria provided, single submitter. Criteria: Ambry Variant Classification Scheme 2023. Collection method: clinical testing. Allele origin: germline.
Comment: The p.N2331I variant (also known as c.6992A>T), located in coding exon 46 of the NF1 gene, results from an A to T substitution at nucleotide position 6992. The asparagine at codon 2331 is replaced by isoleucine, an amino acid with dissimilar properties. This amino acid position is highly conserved in available vertebrate species. In addition, the in silico prediction for this alteration is inconclusive. Based on the available evidence, the clinical significance of this variant remains unclear.

NM_001042492.3(NF1):c.7055A>T (p.Asn2352Ile)

Gene: NF1 (neurofibromin 1; plus strand). Cytogenetic location: 17q11.2.
Variant type: single nucleotide variant.
Coding change: c.7055A>T on transcript NM_001042492.3 (MANE Select); coding-DNA position 7055, A replaced by T.
Protein change: p.Asn2352Ile; replaces asparagine 2352 with isoleucine.
Molecular consequence: missense variant.
Genome position (GRCh38, 1-based): chr17:31,340,638, A>T. VCF-style: chr17-31340638-A-T. GRCh37 (hg19) VCF-style: chr17-29667656-A-T.
Other names: c.6992A>T, p.Asn2331Ile (NM_000267.4); short protein forms N2331I, N2352I.
Identifiers: ClinVar variation 4119181 (VCV004119181.1).
Genomic context (GRCh38, chr17:31,340,638, plus strand): 5'-CAGCAGGTACCGCACTTCTTGAACAAAACCTGCATACTTTAGATAGTCTCCGTATATTCA[A>T]TGACAAGGTAAGCAAACTTTGCCTTGAGGTTCCTAGATTACTCAAATTTAGTACTCTTCC-3'
Protein context (NP_001035957.1, residues 2342-2362): LHTLDSLRIF[Asn2352Ile]DKSPEEVFMA